The following is an entry in ClinVar:

NM_001244008.2(KIF1A):c.430-249T>C

Gene: KIF1A (kinesin family member 1A; minus strand). Cytogenetic location: 2q37.3.
Variant type: single nucleotide variant.
Coding change: c.430-249T>C on transcript NM_001244008.2 (MANE Select); 249 bases into the intron before coding-DNA position 430, T replaced by C.
Molecular consequence: intron variant.
Genome position (GRCh38, 1-based): chr2:240,786,762, A>G on the plus strand (T>C on the coding strand, the complement: KIF1A is on the minus strand). VCF-style: chr2-240786762-A-G. GRCh37 (hg19) VCF-style: chr2-241726179-A-G.
Other names: c.430-249T>C (NM_001379653.1, NM_001379650.1, NM_001379645.1 and 20 more transcripts).
Identifiers: ClinVar variation 682825 (VCV000682825.1), dbSNP rs4990547, ClinGen allele CA68141478.
Genomic context (GRCh38, chr2:240,786,762, plus strand): 5'-GCATCAGGACCCCTGAGTGAGGGGGTGGGGGCTGCCTGCTGGGCCCCTGAGTGAGAGGGT[A>G]GGGGCCACCATCAGGACCCCTGAGTGAGGGGGTGGGGGCTGCCATCAGGACCCCTGAGTG-3'

ClinVar aggregate classification (germline): Benign (1 of 4 stars; one submission).

Allele frequency attached by ClinVar (database versions not stated): gnomAD 0.31308.

Submission:

GeneDx
Classification: Benign. Last evaluated: 2018-06-14. Review status: criteria provided, single submitter. Criteria: GeneDx Variant Classification (06012015). Collection method: clinical testing. Allele origin: germline. Affected: yes.
Comment: This variant is considered likely benign or benign based on one or more of the following criteria: it is a conservative change, it occurs at a poorly conserved position in the protein, it is predicted to be benign by multiple in silico algorithms, and/or has population frequency not consistent with disease.